The following is an entry in ClinVar:

ClinVar aggregate classification (germline): Pathogenic (1 of 4 stars; one submission).

Conditions:
Ataxia-telangiectasia syndrome (AT). Also called: Ataxia-telangiectasia, complementation group D; AT, COMPLEMENTATION GROUP C; ATAXIA-TELANGIECTASIA, COMPLEMENTATION GROUP A; ATAXIA-TELANGIECTASIA, FRESNO VARIANT; Ataxia-telangiectasia; Ataxia telangiectasia (A-T). Identifiers: Orphanet 100, MedGen C0004135, MONDO:0008840, OMIM 208900.

Submission:

Labcorp Genetics (formerly Invitae), Labcorp
Classification: Pathogenic for Ataxia-telangiectasia syndrome. Last evaluated: 2019-10-30. Review status: criteria provided, single submitter. Criteria: Invitae Variant Classification Sherloc (09022015). Collection method: clinical testing. Allele origin: germline.
Comment: For these reasons, this variant has been classified as Pathogenic. Loss-of-function variants in ATM are known to be pathogenic (PMID: 23807571, 25614872). This variant has not been reported in the literature in individuals with ATM-related conditions. This variant is not present in population databases (ExAC no frequency). This sequence change creates a premature translational stop signal (p.Gln1946Valfs*18) in the ATM gene. It is expected to result in an absent or disrupted protein product.

Literature cited by the submitters: PubMed 23807571; PubMed 25614872.

NM_000051.4(ATM):c.5836_5837del (p.Gln1946fs)

Genes: ATM (ATM serine/threonine kinase; plus strand), C11orf65 (chromosome 11 open reading frame 65; minus strand). Cytogenetic location: 11q22.3.
Variant type: Deletion.
Coding change: c.5836_5837del on transcript NM_000051.4 (MANE Select); coding-DNA positions 5836 to 5837, 2 bases deleted (CA; older notation c.5836_5837delCA).
Protein change: p.Gln1946fs; shifts the reading frame from glutamine 1946.
Molecular consequence: frameshift variant. On other transcripts: intron variant (2).
Genome position (GRCh38, 1-based): chr11:108,310,233-108,310,234, CA deleted. VCF-style (leftmost placement, unchanged base first): chr11-108310232-TCA-T. GRCh37 (hg19) VCF-style: chr11-108180959-TCA-T.
Other names: c.5836_5837delCA, p.Gln1946Valfs (NM_000051.3); c.5836_5837del, p.Gln1946fs (NM_001351834.2); c.641-1163_641-1162del (NM_001330368.2); c.*39-1163_*39-1162del (NM_001351110.2); short protein forms Q1946fs.
Identifiers: ClinVar variation 955528 (VCV000955528.8), dbSNP rs2084030667, ClinGen allele CA1139662235.